The following is an entry in ClinVar:

ClinVar aggregate classification (germline): Pathogenic (1 of 4 stars; one submission).

Conditions:
Syndromic X-linked intellectual disability Najm type (MICPCH). Also called: Intellectual Disability and Microcephaly with Pontine and Cerebellar Hypoplasia; Mental retardation and microcephaly with pontine and cerebellar hypoplasia; MENTAL RETARDATION, X-LINKED, SYNDROMIC, NAJM TYPE; Intellectual Disability and Microcephaly with Pontine and Cerebellar Hypoplasia (MICPCH); MICPCH SYNDROME; Intellectual developmental disorder and microcephaly with pontine and cerebellar hypoplasia. Identifiers: Orphanet 163937, MedGen C2677903, MONDO:0010417, OMIM 300749.
Intellectual disability, X-linked 102 (MRXSSB). Also called: Intellectual developmental disorder, X-linked syndromic, Snijders Blok type. Identifiers: Orphanet 457260, MedGen C5393299, MONDO:0010497, OMIM 300958.

Submission:

Broad Center for Mendelian Genomics, Broad Institute of MIT and Harvard
Classification: Pathogenic for Syndromic X-linked intellectual disability Najm type; Intellectual disability, X-linked 102. Last evaluated: 2023-08-24. Review status: criteria provided, single submitter. Criteria: ACMG/ClinGen CNV Guidelines, 2019. Collection method: research. Allele origin: de novo. Inheritance: X-linked inheritance. Affected: yes.
Comment: These breakpoints have been estimated by exome sequencing only and therefore may not reflect the true breakpoints. The patient phenotype is nonspecific, but is consistent with cases described in the literature and/or published databases with overlapping variants. There is complete overlap with the DDX3X, CASK, and NYX genes which are known to be haploinsufficient and has been assessed by the ClinGen Dosage Sensitivity Working Group. In summary, the Xp11.4 deletion meets criteria to be classified as pathogenic. The ACMG/ClinGen evidence codes and points used in this curation are as follows: 1: 0 points, 2: 1.00 points, 3: 0 points, 4-5: 0.15 points; Total: 1.15 points; Riggs 2020 (PMID: 31690835)

GRCh38/hg38 Xp11.4(chrX:41333187-42099271)x1

Genes: GPR82 (G protein-coupled receptor 82; plus strand), CASK (calcium/calmodulin dependent serine protein kinase; minus strand), CASK-AS1 (CASK antisense RNA 1; plus strand), DDX3X (DEAD-box helicase 3 X-linked; plus strand), GPR34 (G protein-coupled receptor 34; plus strand) and 17 more. Cytogenetic location: Xp11.4.
Variant type: copy number loss.
Change: copy number 1 of chrX:41,333,187-42,099,271 (766.1 kb, GRCh38 coordinates, 1-based), cytogenetic band Xp11.4.
Identifiers: ClinVar variation 2579274 (VCV002579274.1).